The following is an entry in ClinVar:

NM_021814.5(ELOVL5):c.692G>T (p.Trp231Leu)

Gene: ELOVL5 (ELOVL fatty acid elongase 5; minus strand). Cytogenetic location: 6p12.1.
Variant type: single nucleotide variant.
Coding change: c.692G>T on transcript NM_021814.5 (MANE Select); coding-DNA position 692, G replaced by T.
Protein change: p.Trp231Leu; replaces tryptophan 231 with leucine.
Molecular consequence: missense variant.
Genome position (GRCh38, 1-based): chr6:53,270,657, C>A on the plus strand (G>T on the coding strand, the complement: ELOVL5 is on the minus strand). VCF-style: chr6-53270657-C-A. GRCh37 (hg19) VCF-style: chr6-53135455-C-A.
Other names: c.773G>T, p.Trp258Leu (NM_001242828.2); c.567G>T, p.Leu189Phe (NM_001242830.2); c.692G>T, p.Trp231Leu (NM_001301856.2); short protein forms L189F, W231L, W258L.
Identifiers: ClinVar variation 1705602 (VCV001705602.7), dbSNP rs2533711348, ClinGen allele CA364474306.

ClinVar aggregate classification (germline): Uncertain significance. Review status: criteria provided, multiple submitters, no conflicts (2 of 4 stars). 3 submissions from 3 submitters: Uncertain significance (3). Last evaluated 2025-12-01.

Conditions:
Spinocerebellar ataxia type 38. Identifiers: Orphanet 423296, MedGen C4518337, MONDO:0014417, OMIM 615957.

Submissions (3):

CeGaT Center for Human Genetics Tuebingen
Classification: Uncertain significance. Last evaluated: 2025-12-01. Review status: criteria provided, single submitter. Criteria: CeGaT Center For Human Genetics Tuebingen Variant Classification Criteria Version 2. Collection method: clinical testing. Allele origin: germline. Affected: yes. Observed: 1 variant allele.
Comment: ELOVL5: PM2

3billion
Classification: Uncertain significance for Spinocerebellar ataxia type 38. Last evaluated: 2022-09-01. Review status: criteria provided, single submitter. Criteria: ACMG Guidelines, 2015. Collection method: clinical testing. Allele origin: germline. Affected: yes. Observed: 1 heterozygote.
Comment: The variant is not observed in the gnomAD v2.1.1 dataset. Missense changes are a common disease-causing mechanism. Therefore, this variant is classified as uncertain significance according to the recommendation of ACMG/AMP guideline.

Blueprint Genetics
Classification: Uncertain significance. Last evaluated: 2021-06-30. Review status: criteria provided, single submitter. Criteria: ACMG Guidelines, 2015. Collection method: clinical testing. Allele origin: germline.